The following is an entry in ClinVar:

NM_001346249.2(RALGAPA1):c.1490G>T (p.Ser497Ile)

Gene: RALGAPA1 (Ral GTPase activating protein catalytic subunit alpha 1; minus strand). Cytogenetic location: 14q13.2.
Variant type: single nucleotide variant.
Coding change: c.1490G>T on transcript NM_001346249.2 (MANE Select); coding-DNA position 1490, G replaced by T.
Protein change: p.Ser497Ile; replaces serine 497 with isoleucine.
Molecular consequence: missense variant.
Genome position (GRCh38, 1-based): chr14:35,738,610, C>A on the plus strand (G>T on the coding strand, the complement: RALGAPA1 is on the minus strand). VCF-style: chr14-35738610-C-A. GRCh37 (hg19) VCF-style: chr14-36207816-C-A.
Other names: c.1490G>T, p.Ser497Ile (NM_001283043.3, NM_001283044.3, NM_001330075.3 and 7 more transcripts); short protein forms S497I.
Identifiers: ClinVar variation 2577778 (VCV002577778.2), dbSNP rs573832132, ClinGen allele CA389500629.
Genomic context (GRCh38, chr14:35,738,610, plus strand): 5'-TCTGTGGCTTCTTCAGAGGCGTTATGAAGAGCACCTTGGTAGGAGCCGTTTTTTGCCCAA[C>A]TGGAATTTCGAACATGATCAGCAGTATTGGTCCCATTTTCCTGAAGCAAAATATCAAGTT-3'
Protein context (NP_001333178.1, residues 487-507): TNTADHVRNS[Ser497Ile]WAKNGSYQGA

ClinVar aggregate classification (germline): Uncertain significance (1 of 4 stars; one submission).

Submission:

GeneDx
Classification: Uncertain significance. Last evaluated: 2025-04-13. Review status: criteria provided, single submitter. Criteria: GeneDx Variant Classification Process June 2021. Collection method: clinical testing. Allele origin: germline.
Comment: Not observed at significant frequency in large population cohorts (gnomAD); In silico analysis supports that this missense variant has a deleterious effect on protein structure/function; Has not been previously published as pathogenic or benign to our knowledge